The following is an entry in ClinVar:

ClinVar aggregate classification (germline): Uncertain significance (1 of 4 stars; one submission).

Allele frequency attached by ClinVar (database versions not stated): TOPMed below 0.00001; gnomAD 0.00002.
gnomAD v4.1: 11 of 1,612,322 alleles (0.00068%); highest among the groups gnomAD compares: South Asian, 0.0055%; no homozygotes.

Submission:

Labcorp Genetics (formerly Invitae), Labcorp
Classification: Uncertain significance. Last evaluated: 2023-07-03. Review status: criteria provided, single submitter. Criteria: Invitae Variant Classification Sherloc (09022015). Collection method: clinical testing. Allele origin: germline.
Comment: This sequence change replaces arginine, which is basic and polar, with tryptophan, which is neutral and slightly polar, at codon 617 of the DLC1 protein (p.Arg617Trp). In summary, the available evidence is currently insufficient to determine the role of this variant in disease. Therefore, it has been classified as a Variant of Uncertain Significance. An algorithm developed to predict the effect of missense changes on protein structure and function (PolyPhen-2) suggests that this variant is likely to be disruptive. This variant has not been reported in the literature in individuals affected with DLC1-related conditions. This variant is present in population databases (rs780178178, gnomAD 0.01%).

NM_182643.3(DLC1):c.1849C>T (p.Arg617Trp)

Gene: DLC1 (DLC1 Rho GTPase activating protein; minus strand). Cytogenetic location: 8p22.
Variant type: single nucleotide variant.
Coding change: c.1849C>T on transcript NM_182643.3 (MANE Select); coding-DNA position 1849, C replaced by T.
Protein change: p.Arg617Trp; replaces arginine 617 with tryptophan.
Molecular consequence: missense variant.
Genome position (GRCh38, 1-based): chr8:13,100,488, G>A on the plus strand (C>T on the coding strand, the complement: DLC1 is on the minus strand). VCF-style: chr8-13100488-G-A. GRCh37 (hg19) VCF-style: chr8-12957997-G-A.
Other names: c.316C>T, p.Arg106Trp (NM_001164271.2, NM_001348082.2, NM_001348083.1 and 6 more transcripts); c.640C>T, p.Arg214Trp (NM_001316668.2, NM_001413129.1); c.1849C>T, p.Arg617Trp (NM_001348081.2, NM_001413124.1); c.631C>T, p.Arg211Trp (NM_001413130.1); c.289C>T, p.Arg97Trp (NM_001413131.1, NM_001413137.1); c.775C>T, p.Arg259Trp (NM_001413132.1); c.538C>T, p.Arg180Trp (NM_001413135.1, NM_001413136.1, NM_001413139.1 and 1 more transcripts); c.673C>T, p.Arg225Trp (NM_001413140.1); short protein forms R211W, R225W, R106W, R180W, R259W, R97W, R214W, R617W.
Identifiers: ClinVar variation 2778670 (VCV002778670.3), dbSNP rs780178178, ClinGen allele CA4638784.